The following is an entry in ClinVar:

NM_001365951.3(KIF1B):c.1019A>C (p.Glu340Ala)

Gene: KIF1B (kinesin family member 1B; plus strand). Cytogenetic location: 1p36.22.
Variant type: single nucleotide variant.
Coding change: c.1019A>C on transcript NM_001365951.3 (MANE Select); coding-DNA position 1019, A replaced by C.
Protein change: p.Glu340Ala; replaces glutamic acid 340 with alanine.
Molecular consequence: missense variant.
Genome position (GRCh38, 1-based): chr1:10,276,381, A>C. VCF-style: chr1-10276381-A-C. GRCh37 (hg19) VCF-style: chr1-10336439-A-C.
Other names: c.1019A>C, p.Glu340Ala (NM_001365952.1); c.1001A>C, p.Glu334Ala (NM_001365953.1, NM_015074.3, NM_183416.4); short protein forms E334A, E340A.
Identifiers: ClinVar variation 4844522 (VCV004844522.1).

ClinVar aggregate classification (germline): Uncertain significance (1 of 4 stars; one submission).

Submission:

Ambry Genetics
Classification: Uncertain significance. Last evaluated: 2026-02-16. Review status: criteria provided, single submitter. Criteria: Ambry Variant Classification Scheme 2023. Collection method: clinical testing. Allele origin: germline.
Comment: The p.E334A variant (also known as c.1001A>C), located in coding exon 10 of the KIF1B gene, results from an A to C substitution at nucleotide position 1001. The glutamic acid at codon 334 is replaced by alanine, an amino acid with dissimilar properties. This amino acid position is conserved. In addition, this alteration is predicted to be deleterious by in silico analysis. Based on the available evidence, the clinical significance of this variant remains unclear.